The following is an entry in ClinVar:

NM_001349206.2(LPIN1):c.768G>A (p.Ala256=)

Gene: LPIN1 (lipin 1; plus strand). Cytogenetic location: 2p25.1.
Variant type: single nucleotide variant.
Coding change: c.768G>A on transcript NM_001349206.2 (MANE Select); coding-DNA position 768, G replaced by A.
Protein change: p.Ala256=; no amino-acid change (alanine 256 retained).
Molecular consequence: synonymous variant. On other transcripts: intron variant (6).
Genome position (GRCh38, 1-based): chr2:11,776,131, G>A. VCF-style: chr2-11776131-G-A. GRCh37 (hg19) VCF-style: chr2-11916257-G-A.
Other names: c.915G>A, p.Ala305= (NM_001261428.3); c.765G>A, p.Ala255= (NM_001349202.2, NM_001349203.2); c.768G>A, p.Ala256= (NM_001349204.2, NM_001349205.2); c.858G>A, p.Ala286= (NM_001349207.2); c.869+2386G>A (NM_001349208.2); c.740+2386G>A (NM_001261427.3); c.722+2386G>A (NM_001349200.2, NM_001349199.2, NM_001349201.2 and 1 more transcripts).
Identifiers: ClinVar variation 4980864 (VCV004980864.1).

ClinVar aggregate classification (germline): Likely benign (1 of 4 stars; one submission).

Conditions:
LPIN1-related disorder. Also called: LPIN1-related condition.

gnomAD v4.1: 112 of 1,548,388 alleles (0.0072%); highest among the groups gnomAD compares: African/African-American, 0.13%; no homozygotes.

Submission:

PreventionGenetics, part of Exact Sciences
Classification: Likely benign for LPIN1-related condition. Last evaluated: 2025-02-18. Review status: criteria provided, single submitter. Criteria: ACMG Guidelines, 2015. Collection method: clinical testing. Allele origin: germline.
Comment: This variant is classified as likely benign based on ACMG/AMP sequence variant interpretation guidelines (Richards et al. 2015 PMID: 25741868, with internal and published modifications).